The following is an entry in ClinVar:

NM_002470.4(MYH3):c.3922G>A (p.Ala1308Thr)

Gene: MYH3 (myosin heavy chain 3; minus strand). Cytogenetic location: 17p13.1.
Variant type: single nucleotide variant.
Coding change: c.3922G>A on transcript NM_002470.4 (MANE Select); coding-DNA position 3922, G replaced by A.
Protein change: p.Ala1308Thr; replaces alanine 1308 with threonine.
Molecular consequence: missense variant.
Genome position (GRCh38, 1-based): chr17:10,635,788, C>T on the plus strand (G>A on the coding strand, the complement: MYH3 is on the minus strand). VCF-style: chr17-10635788-C-T. GRCh37 (hg19) VCF-style: chr17-10539105-C-T.
Other names: short protein forms A1308T.
Identifiers: ClinVar variation 2988632 (VCV002988632.3), dbSNP rs1162744793, ClinGen allele CA398147161.

ClinVar aggregate classification (germline): Uncertain significance (1 of 4 stars; one submission).

Allele frequency attached by ClinVar (database versions not stated): gnomAD exomes below 0.00001; TOPMed 0.00001.
gnomAD v4.1: 1 of 1,614,204 alleles (0.000062%); highest among the groups gnomAD compares: Admixed American, 0.0017%; no homozygotes.

Submission:

Labcorp Genetics (formerly Invitae), Labcorp
Classification: Uncertain significance. Last evaluated: 2024-03-05. Review status: criteria provided, single submitter. Criteria: Invitae Variant Classification Sherloc (09022015). Collection method: clinical testing. Allele origin: germline.
Comment: This sequence change replaces alanine, which is neutral and non-polar, with threonine, which is neutral and polar, at codon 1308 of the MYH3 protein (p.Ala1308Thr). This variant is present in population databases (no rsID available, gnomAD 0.006%). This variant has not been reported in the literature in individuals affected with MYH3-related conditions. Advanced modeling of protein sequence and biophysical properties (such as structural, functional, and spatial information, amino acid conservation, physicochemical variation, residue mobility, and thermodynamic stability) performed at Invitae indicates that this missense variant is not expected to disrupt MYH3 protein function with a negative predictive value of 95%. In summary, the available evidence is currently insufficient to determine the role of this variant in disease. Therefore, it has been classified as a Variant of Uncertain Significance.